The following is an entry in ClinVar:

ClinVar aggregate classification (germline): Benign (0 of 4 stars; one submission).

Conditions:
CHGB-related disorder. Also called: CHGB-related condition.

Allele frequency attached by ClinVar (database versions not stated): gnomAD exomes 0.00662; ExAC 0.02003; gnomAD 0.06236; 1000 Genomes Project 0.07109; ESP Exome Variant Server 0.07181; 1000 Genomes Project 30x 0.07573.

Submission:

PreventionGenetics, part of Exact Sciences
Classification: Benign for CHGB-related condition. Last evaluated: 2019-05-28. Review status: no assertion criteria provided. Collection method: clinical testing. Allele origin: germline.
Comment: This variant is classified as benign based on ACMG/AMP sequence variant interpretation guidelines (Richards et al. 2015 PMID: 25741868, with internal and published modifications).

NM_001819.3(CHGB):c.351G>C (p.Lys117Asn)

Gene: CHGB (chromogranin B; plus strand). Cytogenetic location: 20p12.3.
Variant type: single nucleotide variant.
Coding change: c.351G>C on transcript NM_001819.3 (MANE Select); coding-DNA position 351, G replaced by C.
Protein change: p.Lys117Asn; replaces lysine 117 with asparagine.
Molecular consequence: missense variant.
Genome position (GRCh38, 1-based): chr20:5,922,495, G>C. VCF-style: chr20-5922495-G-C. GRCh37 (hg19) VCF-style: chr20-5903141-G-C.
Other names: short protein forms K117N.
Identifiers: ClinVar variation 3037531 (VCV003037531.2), dbSNP rs236150, ClinGen allele CA9755490.
Genomic context (GRCh38, chr20:5,922,495, plus strand): 5'-GTCCTCCAGCAGGGGAGAGGCAGGAGCCCCAGGGGAGGAGGACATCCAAGGCCCAACAAA[G>C]GCAGACACAGAGAAATGGGCAGAGGGAGGCGGGCACAGCCGAGAGCGAGCGGATGAGCCC-3'
Protein context (NP_001810.2, residues 107-127): PGEEDIQGPT[Lys117Asn]ADTEKWAEGG